The following is an entry in ClinVar:

ClinVar aggregate classification (germline): Likely pathogenic (1 of 4 stars; one submission).

Conditions:
Charlevoix-Saguenay spastic ataxia (SACS). Also called: AUTOSOMAL RECESSIVE SPASTIC ATAXIA OF CHARLEVOIX-SAGUENAY; Spastic ataxia of Charlevoix-Saguenay; SPASTIC ATAXIA 6, AUTOSOMAL RECESSIVE. Identifiers: Orphanet 98, MedGen C1849140, MONDO:0010041, OMIM 270550.

Submission:

Concord Molecular Medicine Laboratory, Concord Repatriation General Hospital
Classification: Likely pathogenic for Charlevoix-Saguenay spastic ataxia. Last evaluated: 2026-08-17. Review status: criteria provided, single submitter. Criteria: ACMG Guidelines, 2015. Collection method: clinical testing. Allele origin: inherited. Inheritance: Autosomal recessive inheritance. Affected: yes. Observed: 1 variant allele, 1 compound heterozygote.
Comment: This is a rare variant not detected in control population (gnomAD v4.1.1). In silico analysis suggests the variant to be damaging (REVEL 0.946).

NM_014363.6(SACS):c.7664A>G (p.Asp2555Gly)

Gene: SACS (sacsin molecular chaperone; minus strand). Cytogenetic location: 13q12.12.
Variant type: single nucleotide variant.
Coding change: c.7664A>G on transcript NM_014363.6 (MANE Select); coding-DNA position 7664, A replaced by G.
Protein change: p.Asp2555Gly; replaces aspartic acid 2555 with glycine.
Molecular consequence: missense variant.
Genome position (GRCh38, 1-based): chr13:23,336,212, T>C on the plus strand (A>G on the coding strand, the complement: SACS is on the minus strand). VCF-style: chr13-23336212-T-C. GRCh37 (hg19) VCF-style: chr13-23910351-T-C.
Other names: c.7223A>G, p.Asp2408Gly (NM_001278055.2); c.7691A>G, p.Asp2564Gly (NM_001437336.1); short protein forms D2408G, D2555G, D2564G.
Identifiers: ClinVar variation 4886972 (VCV004886972.1).